The following is an entry in ClinVar:

NM_001134363.3(RBM20):c.1494C>A (p.Ser498Arg)

Gene: RBM20 (RNA binding motif protein 20; plus strand). Cytogenetic location: 10q25.2.
Variant type: single nucleotide variant.
Coding change: c.1494C>A on transcript NM_001134363.3 (MANE Select); coding-DNA position 1494, C replaced by A.
Protein change: p.Ser498Arg; replaces serine 498 with arginine.
Molecular consequence: missense variant.
Genome position (GRCh38, 1-based): chr10:110,784,856, C>A. VCF-style: chr10-110784856-C-A. GRCh37 (hg19) VCF-style: chr10-112544614-C-A.
Other names: short protein forms S498R.
Identifiers: ClinVar variation 229184 (VCV000229184.21), dbSNP rs774916799, ClinGen allele CA10576763.

ClinVar aggregate classification (germline): Conflicting classifications of pathogenicity. Review status: criteria provided, conflicting classifications (1 of 4 stars). 7 submissions from 7 submitters: Uncertain significance (3); Likely benign (2). 2 of the submissions do not count toward it. Last evaluated 2026-01-15.

Conditions:
Cardiovascular phenotype. Identifiers: MedGen CN230736.
Cardiomyopathy (CMYO). Also called: Cardiomyopathies. Identifiers: Orphanet 167848, MedGen C0878544, MONDO:0004994, HP:0001638. Inheritance: Various modes of inheritance.
Dilated cardiomyopathy 1DD (CMD1DD). Identifiers: Orphanet 154, MedGen C2750995, MONDO:0013168, OMIM 613172.

Allele frequency attached by ClinVar (database versions not stated): gnomAD 0.00001; gnomAD exomes 0.00001 and 0.00006; TOPMed 0.00001.
gnomAD v4.1: 82 of 1,550,082 alleles (0.0053%); highest among the groups gnomAD compares: Non-Finnish European, 0.0072%; no homozygotes.

Submissions (7):

Labcorp Genetics (formerly Invitae), Labcorp
Classification: Likely benign for Dilated cardiomyopathy 1DD. Last evaluated: 2026-01-15. Review status: criteria provided, single submitter. Criteria: Invitae Variant Classification Sherloc (09022015). Collection method: clinical testing. Allele origin: germline.

Ambry Genetics
Classification: Likely benign for Cardiovascular phenotype. Last evaluated: 2025-06-24. Review status: criteria provided, single submitter. Criteria: Ambry Variant Classification Scheme 2023. Collection method: clinical testing. Allele origin: germline.

Fulgent Genetics
Classification: Uncertain significance for Dilated cardiomyopathy 1DD. Last evaluated: 2021-10-11. Review status: criteria provided, single submitter. Criteria: ACMG Guidelines, 2015. Collection method: clinical testing. Allele origin: unknown.

CHEO Genetics Diagnostic Laboratory, Children's Hospital of Eastern Ontario
Classification: Uncertain significance for Cardiomyopathy. Last evaluated: 2019-10-04. Review status: criteria provided, single submitter. Criteria: ACMG Guidelines, 2015. Collection method: clinical testing. Allele origin: germline. Study: Canadian Open Genetics Repository.

Laboratory for Molecular Medicine, Mass General Brigham Personalized Medicine
Classification: Uncertain significance. Last evaluated: 2015-02-18. Review status: criteria provided, single submitter. Criteria: LMM Criteria. Collection method: clinical testing. Allele origin: germline. Observed: 1 variant allele.
Comment: The p.Ser498Arg variant in RBM20 has not been previously reported in individuals with cardiomyopathy or in large population studies. Computational prediction to ols and conservation analysis do not provide strong support for or against an im pact to the protein. In summary, the clinical significance of the p.Ser498Arg va riant is uncertain.

Clinical Genetics, Academic Medical Center
Classification: Uncertain significance. Review status: no assertion criteria provided. Collection method: clinical testing. Allele origin: germline. Affected: yes. Study: VKGL Data-share Consensus. Not counted in ClinVar's aggregate classification.

Joint Genome Diagnostic Labs from Nijmegen and Maastricht, Radboudumc and MUMC+
Classification: Uncertain significance. Review status: no assertion criteria provided. Collection method: clinical testing. Allele origin: germline. Affected: yes. Study: VKGL Data-share Consensus. Not counted in ClinVar's aggregate classification.

Literature cited by the submitters: PubMed 30847666 (cited by Ambry Genetics).